The following is an entry in ClinVar:

NM_018713.3(SLC30A10):c.194C>T (p.Thr65Ile)

Gene: SLC30A10 (solute carrier family 30 member 10; minus strand). Cytogenetic location: 1q41.
Variant type: single nucleotide variant.
Coding change: c.194C>T on transcript NM_018713.3 (MANE Select); coding-DNA position 194, C replaced by T.
Protein change: p.Thr65Ile; replaces threonine 65 with isoleucine.
Molecular consequence: missense variant. On other transcripts: non-coding transcript variant (1), intron variant (1).
Genome position (GRCh38, 1-based): chr1:219,928,247, G>A on the plus strand (C>T on the coding strand, the complement: SLC30A10 is on the minus strand). VCF-style: chr1-219928247-G-A. GRCh37 (hg19) VCF-style: chr1-220101589-G-A.
Other names: c.452-1142C>T (NM_001376929.1); c.194C>T (NM_018713.2); short protein forms T65I.
Identifiers: ClinVar variation 1450450 (VCV001450450.6), dbSNP rs377636913, ClinGen allele CA1399345.

ClinVar aggregate classification (germline): Uncertain significance. Review status: criteria provided, multiple submitters, no conflicts (2 of 4 stars). 2 submissions from 2 submitters: Uncertain significance (2). Last evaluated 2024-11-09.

Allele frequency attached by ClinVar (database versions not stated): ESP Exome Variant Server 0.00016; ExAC 0.00019; 1000 Genomes Project 30x 0.00031; 1000 Genomes Project 0.00040.

Submissions (2):

GeneDx
Classification: Uncertain significance. Last evaluated: 2024-11-09. Review status: criteria provided, single submitter. Criteria: GeneDx Variant Classification Process June 2021. Collection method: clinical testing. Allele origin: germline. Affected: yes.
Comment: In silico analysis indicates that this missense variant does not alter protein structure/function; Has not been previously published as pathogenic or benign to our knowledge

Labcorp Genetics (formerly Invitae), Labcorp
Classification: Uncertain significance. Last evaluated: 2022-07-30. Review status: criteria provided, single submitter. Criteria: Invitae Variant Classification Sherloc (09022015). Collection method: clinical testing. Allele origin: germline.
Comment: This sequence change replaces threonine, which is neutral and polar, with isoleucine, which is neutral and non-polar, at codon 65 of the SLC30A10 protein (p.Thr65Ile). This variant is present in population databases (rs377636913, gnomAD 0.2%). This variant has not been reported in the literature in individuals affected with SLC30A10-related conditions. ClinVar contains an entry for this variant (Variation ID: 1450450). Algorithms developed to predict the effect of missense changes on protein structure and function (SIFT, PolyPhen-2, Align-GVGD) all suggest that this variant is likely to be tolerated. In summary, the available evidence is currently insufficient to determine the role of this variant in disease. Therefore, it has been classified as a Variant of Uncertain Significance.